The following is an entry in ClinVar:

NM_001369.3(DNAH5):c.1331T>C (p.Leu444Pro)

Gene: DNAH5 (dynein axonemal heavy chain 5; minus strand). Cytogenetic location: 5p15.2.
Variant type: single nucleotide variant.
Coding change: c.1331T>C on transcript NM_001369.3 (MANE Select); coding-DNA position 1331, T replaced by C.
Protein change: p.Leu444Pro; replaces leucine 444 with proline.
Molecular consequence: missense variant.
Genome position (GRCh38, 1-based): chr5:13,913,948, A>G on the plus strand (T>C on the coding strand, the complement: DNAH5 is on the minus strand). VCF-style: chr5-13913948-A-G. GRCh37 (hg19) VCF-style: chr5-13914057-A-G.
Other names: short protein forms L444P.
Identifiers: ClinVar variation 2985905 (VCV002985905.2), dbSNP rs2547127710, ClinGen allele CA359214614.

ClinVar aggregate classification (germline): Uncertain significance (1 of 4 stars; one submission).

Conditions:
Primary ciliary dyskinesia. Also called: Ciliary dyskinesia. Identifiers: Orphanet 244, MedGen C0008780, MONDO:0016575, HP:0012265.

Submission:

Labcorp Genetics (formerly Invitae), Labcorp
Classification: Uncertain significance for Primary ciliary dyskinesia. Last evaluated: 2023-12-05. Review status: criteria provided, single submitter. Criteria: Invitae Variant Classification Sherloc (09022015). Collection method: clinical testing. Allele origin: germline.
Comment: This sequence change replaces leucine, which is neutral and non-polar, with proline, which is neutral and non-polar, at codon 444 of the DNAH5 protein (p.Leu444Pro). This variant is not present in population databases (gnomAD no frequency). This missense change has been observed in individual(s) with clinical features of DNAH5-related conditions (Invitae). Advanced modeling of protein sequence and biophysical properties (such as structural, functional, and spatial information, amino acid conservation, physicochemical variation, residue mobility, and thermodynamic stability) performed at Invitae indicates that this missense variant is not expected to disrupt DNAH5 protein function with a negative predictive value of 95%. In summary, the available evidence is currently insufficient to determine the role of this variant in disease. Therefore, it has been classified as a Variant of Uncertain Significance.